The following is an entry in ClinVar:

NM_000179.3(MSH6):c.864A>T (p.Glu288Asp)

Gene: MSH6 (mutS homolog 6; plus strand). Cytogenetic location: 2p16.3.
Variant type: single nucleotide variant.
Coding change: c.864A>T on transcript NM_000179.3 (MANE Select); coding-DNA position 864, A replaced by T.
Protein change: p.Glu288Asp; replaces glutamic acid 288 with aspartic acid.
Molecular consequence: missense variant. On other transcripts: 5 prime UTR variant (2).
Genome position (GRCh38, 1-based): chr2:47,798,847, A>T. VCF-style: chr2-47798847-A-T. GRCh37 (hg19) VCF-style: chr2-48025986-A-T.
Other names: c.474A>T, p.Glu158Asp (NM_001281492.2); c.-43A>T (NM_001281493.2, NM_001281494.2, NM_001406811.1 and 6 more transcripts); c.960A>T, p.Glu320Asp (NM_001406795.1, NM_001406802.1); c.864A>T, p.Glu288Asp (NM_001406796.1, NM_001406798.1, NM_001406800.1 and 4 more transcripts); c.567A>T, p.Glu189Asp (NM_001406797.1, NM_001406801.1, NM_001406805.1 and 10 more transcripts); c.339A>T, p.Glu113Asp (NM_001406799.1, NM_001406806.1, NM_001406807.1); c.786A>T, p.Glu262Asp (NM_001406804.1); c.870A>T, p.Glu290Asp (NM_001406813.1); and 1 more; short protein forms E288D, E113D, E189D, E290D, E158D, E232D, E262D, E320D.
Identifiers: ClinVar variation 2101336 (VCV002101336.4), dbSNP rs2104302380, ClinGen allele CA346740608.

ClinVar aggregate classification (germline): Uncertain significance (1 of 4 stars; one submission).

Conditions:
Hereditary nonpolyposis colorectal neoplasms. Identifiers: MedGen C0009405, MeSH D003123.

Submission:

Labcorp Genetics (formerly Invitae), Labcorp
Classification: Uncertain significance for Hereditary nonpolyposis colorectal neoplasms. Last evaluated: 2022-02-21. Review status: criteria provided, single submitter. Criteria: Invitae Variant Classification Sherloc (09022015). Collection method: clinical testing. Allele origin: germline.
Comment: This sequence change replaces glutamic acid, which is acidic and polar, with aspartic acid, which is acidic and polar, at codon 288 of the MSH6 protein (p.Glu288Asp). This variant is not present in population databases (gnomAD no frequency). This variant has not been reported in the literature in individuals affected with MSH6-related conditions. Advanced modeling of protein sequence and biophysical properties (such as structural, functional, and spatial information, amino acid conservation, physicochemical variation, residue mobility, and thermodynamic stability) performed at Invitae indicates that this missense variant is not expected to disrupt MSH6 protein function. In summary, the available evidence is currently insufficient to determine the role of this variant in disease. Therefore, it has been classified as a Variant of Uncertain Significance.